The following is an entry in ClinVar:

ClinVar aggregate classification (germline): Likely benign. Review status: criteria provided, multiple submitters, no conflicts (2 of 4 stars). 2 submissions from 2 submitters: Likely benign (2). Last evaluated 2018-06-14.

Allele frequency attached by ClinVar (database versions not stated): TOPMed 0.01522; 1000 Genomes Project 0.01577; gnomAD 0.01649 and 0.01695; 1000 Genomes Project 30x 0.01702; gnomAD exomes 0.01835.
gnomAD v4.1: 29,306 of 1,605,354 alleles (1.8%); highest among the groups gnomAD compares: Middle Eastern, 3.1%; 296 homozygotes.

Submissions (2):

GeneDx
Classification: Likely benign. Last evaluated: 2018-06-14. Review status: criteria provided, single submitter. Criteria: GeneDx Variant Classification (06012015). Collection method: clinical testing. Allele origin: germline. Affected: yes.
Comment: This variant is considered likely benign or benign based on one or more of the following criteria: it is a conservative change, it occurs at a poorly conserved position in the protein, it is predicted to be benign by multiple in silico algorithms, and/or has population frequency not consistent with disease.

Breakthrough Genomics
Classification: Likely benign. Review status: criteria provided, single submitter. Criteria: ACMG Guidelines, 2015. Collection method: not provided. Allele origin: germline. Inheritance: Autosomal recessive inheritance. Affected: yes.

NM_080680.3(COL11A2):c.83-55A>T

Gene: COL11A2 (collagen type XI alpha 2 chain; minus strand). Cytogenetic location: 6p21.32.
Variant type: single nucleotide variant.
Coding change: c.83-55A>T on transcript NM_080680.3 (MANE Select); 55 bases into the intron before coding-DNA position 83, A replaced by T.
Molecular consequence: intron variant.
Genome position (GRCh38, 1-based): chr6:33,189,524, T>A on the plus strand (A>T on the coding strand, the complement: COL11A2 is on the minus strand). VCF-style: chr6-33189524-T-A. GRCh37 (hg19) VCF-style: chr6-33157301-T-A.
Other names: c.83-55A>T (NM_080679.3, NM_080681.3, NM_001163771.2).
Identifiers: ClinVar variation 675203 (VCV000675203.2), dbSNP rs56297647, ClinGen allele CA12189117.
Genomic context (GRCh38, chr6:33,189,524, plus strand): 5'-GTGCACCTGGGAGAGTCCATGATTATCAGGAGAAGGGACATGCCCTCAGGAGGGCATAAA[T>A]AGGGGACATTTGGGATCTAGAACTCAGCTTTCCAGGGCTCAAACTCCCTGCAAGGGAAAG-3'